The following is an entry in ClinVar:

ClinVar aggregate classification (germline): Pathogenic (1 of 4 stars; one submission).

gnomAD v4.1: 1 of 1,612,362 alleles (0.000062%); highest among the groups gnomAD compares: Non-Finnish European, 0.000085%; no homozygotes.

Submission:

Labcorp Genetics (formerly Invitae), Labcorp
Classification: Pathogenic. Last evaluated: 2023-11-08. Review status: criteria provided, single submitter. Criteria: Invitae Variant Classification Sherloc (09022015). Collection method: clinical testing. Allele origin: germline.
Comment: This sequence change creates a premature translational stop signal (p.Glu2360*) in the VPS13A gene. It is expected to result in an absent or disrupted protein product. Loss-of-function variants in VPS13A are known to be pathogenic (PMID: 12404112, 21598378). This variant is not present in population databases (gnomAD no frequency). This variant has not been reported in the literature in individuals affected with VPS13A-related conditions. For these reasons, this variant has been classified as Pathogenic.

Literature cited by the submitters: PubMed 12404112; PubMed 21598378.

NM_033305.3(VPS13A):c.7078G>T (p.Glu2360Ter)

Gene: VPS13A (vacuolar protein sorting 13 homolog A; plus strand). Cytogenetic location: 9q21.2.
Variant type: single nucleotide variant.
Coding change: c.7078G>T on transcript NM_033305.3 (MANE Select); coding-DNA position 7078, G replaced by T.
Protein change: p.Glu2360Ter; replaces glutamic acid 2360 with a stop codon.
Molecular consequence: nonsense.
Genome position (GRCh38, 1-based): chr9:77,344,204, G>T. VCF-style: chr9-77344204-G-T. GRCh37 (hg19) VCF-style: chr9-79959120-G-T.
Other names: c.6961G>T, p.Glu2321Ter (NM_001018037.2); c.7078G>T, p.Glu2360Ter (NM_001018038.3, NM_015186.4); short protein forms E2321*, E2360*.
Identifiers: ClinVar variation 2716370 (VCV002716370.3), dbSNP rs370401336, ClinGen allele CA194388890.